The following is an entry in ClinVar:

ClinVar aggregate classification (germline): Uncertain significance. Review status: criteria provided, multiple submitters, no conflicts (2 of 4 stars). 5 submissions from 5 submitters: Uncertain significance (5). Last evaluated 2025-07-10.

Conditions:
Arrhythmogenic right ventricular dysplasia 9 (ARVD9). Also called: Arrhythmogenic Right Ventricular Dysplasia/Cardiomyopathy 9; ARRHYTHMOGENIC RIGHT VENTRICULAR DYSPLASIA, FAMILIAL, 9. Identifiers: MedGen C1836906, MONDO:0012180, OMIM 609040.
Cardiomyopathy (CMYO). Also called: Cardiomyopathies. Identifiers: Orphanet 167848, MedGen C0878544, MONDO:0004994, HP:0001638. Inheritance: Various modes of inheritance.
Cardiovascular phenotype. Identifiers: MedGen CN230736.
Arrhythmogenic right ventricular cardiomyopathy (ARVD). Also called: Cardiomyopathy, ARVC; Arrhythmogenic right ventricular dysplasia; Arrhythmogenic cardiomyopathy; Arrhythmogenic Right Ventricular Cardiomyopathy (ARVC). Identifiers: Orphanet 247, MedGen C0349788, MeSH D019571, MONDO:0016587. Disease mechanism: loss of function. Inheritance: Various modes of inheritance.

Allele frequency attached by ClinVar (database versions not stated): gnomAD 0.00001; TOPMed 0.00001.
gnomAD v4.1: 7 of 1,613,618 alleles (0.00043%); highest among the groups gnomAD compares: East Asian, 0.0022%; no homozygotes.

Submissions (5):

Color Diagnostics, LLC DBA Color Health
Classification: Uncertain significance for Cardiomyopathy. Last evaluated: 2025-07-10. Review status: criteria provided, single submitter. Criteria: ACMG Guidelines, 2015. Collection method: clinical testing. Allele origin: germline.
Comment: This missense variant replaces glutamic acid with lysine at codon 198 of the PKP2 protein. Computational prediction suggests that this variant may not impact protein structure and function. To our knowledge, functional studies have not been reported for this variant. This variant has been reported in one individual affected with sporadic dilated cardiomyopathy (PMID: 34486814). This variant has not been identified in the general population by the Genome Aggregation Database (gnomAD). The available evidence is insufficient to determine the role of this variant in disease conclusively. Therefore, this variant is classified as a Variant of Uncertain Significance.

Labcorp Genetics (formerly Invitae), Labcorp
Classification: Uncertain significance for Arrhythmogenic right ventricular dysplasia 9. Last evaluated: 2024-02-22. Review status: criteria provided, single submitter. Criteria: Invitae Variant Classification Sherloc (09022015). Collection method: clinical testing. Allele origin: germline.
Comment: This sequence change replaces glutamic acid, which is acidic and polar, with lysine, which is basic and polar, at codon 198 of the PKP2 protein (p.Glu198Lys). This variant is not present in population databases (gnomAD no frequency). This variant has not been reported in the literature in individuals affected with PKP2-related conditions. ClinVar contains an entry for this variant (Variation ID: 920375). An algorithm developed to predict the effect of missense changes on protein structure and function (PolyPhen-2) suggests that this variant is likely to be disruptive. In summary, the available evidence is currently insufficient to determine the role of this variant in disease. Therefore, it has been classified as a Variant of Uncertain Significance.

All of Us Research Program, National Institutes of Health
Classification: Uncertain significance for Arrhythmogenic right ventricular cardiomyopathy. Last evaluated: 2023-12-10. Review status: criteria provided, single submitter. Criteria: ACMG Guidelines, 2015. Collection method: clinical testing. Allele origin: germline. Inheritance: Autosomal dominant inheritance. Observed: 6 variant alleles, 6 heterozygotes.
Comment: This missense variant replaces glutamic acid with lysine at codon 198 of the PKP2 protein. Computational prediction tools and conservation analyses are inconclusive regarding the impact of this variant on the protein function. Computational splicing tools suggest that this variant may not impact RNA splicing. To our knowledge, functional assays have not been performed for this variant nor has this variant been reported in individuals affected with cardiovascular disorders in the literature. This variant has not been identified in the general population by the Genome Aggregation Database (gnomAD). Available evidence is insufficient to determine the role of this variant in disease conclusively. Therefore, this variant is classified as a Variant of Uncertain Significance.

This study involves interpretation of variants in research participants for the purpose of population health screening. Participant phenotype was not available at the time of variant classification. Additional details can be found in publication PMID: 35346344, PMCID: PMC8962531

Ambry Genetics
Classification: Uncertain significance for Cardiovascular phenotype. Last evaluated: 2023-03-28. Review status: criteria provided, single submitter. Criteria: Ambry Variant Classification Scheme 2023. Collection method: clinical testing. Allele origin: germline.
Comment: The p.E198K variant (also known as c.592G>A), located in coding exon 3 of the PKP2 gene, results from a G to A substitution at nucleotide position 592. The glutamic acid at codon 198 is replaced by lysine, an amino acid with similar properties. This alteration has been reported in a dilated cardiomyopathy (DCM) cohort (Saito T et al. ESC Heart Fail, 2021 Dec;8:5178-5191). This amino acid position is highly conserved in available vertebrate species. In addition, the in silico prediction for this alteration is inconclusive. Since supporting evidence is limited at this time, the clinical significance of this alteration remains unclear.

Blueprint Genetics
Classification: Uncertain significance. Last evaluated: 2021-03-22. Review status: criteria provided, single submitter. Criteria: ACMG Guidelines, 2015. Collection method: clinical testing. Allele origin: germline.

Literature cited by the submitters: PubMed 34486814 (cited by Color Diagnostics, LLC DBA Color Health and Ambry Genetics).

NM_001005242.3(PKP2):c.592G>A (p.Glu198Lys)

Gene: PKP2 (plakophilin 2; minus strand). Cytogenetic location: 12p11.21.
Variant type: single nucleotide variant.
Coding change: c.592G>A on transcript NM_001005242.3 (MANE Select); coding-DNA position 592, G replaced by A.
Protein change: p.Glu198Lys; replaces glutamic acid 198 with lysine.
Molecular consequence: missense variant.
Genome position (GRCh38, 1-based): chr12:32,878,288, C>T on the plus strand (G>A on the coding strand, the complement: PKP2 is on the minus strand). VCF-style: chr12-32878288-C-T. GRCh37 (hg19) VCF-style: chr12-33031222-C-T.
Other names: c.592G>A, p.Glu198Lys (NM_004572.4); short protein forms E198K.
Identifiers: ClinVar variation 920375 (VCV000920375.13), dbSNP rs1040585677, ClinGen allele CA235266459.